The following is an entry in ClinVar:

NM_006231.4(POLE):c.3935C>A (p.Ala1312Asp)

Gene: POLE (DNA polymerase epsilon, catalytic subunit; minus strand). Cytogenetic location: 12q24.33.
Variant type: single nucleotide variant.
Coding change: c.3935C>A on transcript NM_006231.4 (MANE Select); coding-DNA position 3935, C replaced by A.
Protein change: p.Ala1312Asp; replaces alanine 1312 with aspartic acid.
Molecular consequence: missense variant.
Genome position (GRCh38, 1-based): chr12:132,649,376, G>T on the plus strand (C>A on the coding strand, the complement: POLE is on the minus strand). VCF-style: chr12-132649376-G-T. GRCh37 (hg19) VCF-style: chr12-133225962-G-T.
Other names: short protein forms A1312D.
Identifiers: ClinVar variation 1721263 (VCV001721263.5), dbSNP rs2042364271, ClinGen allele CA387385032.

ClinVar aggregate classification (germline): Uncertain significance (1 of 4 stars; one submission).

Allele frequency attached by ClinVar (database versions not stated): TOPMed below 0.00001; gnomAD 0.00001.
gnomAD v4.1: 1 of 1,613,404 alleles (0.000062%); highest among the groups gnomAD compares: Admixed American, 0.0017%; no homozygotes.

Submission:

Labcorp Genetics (formerly Invitae), Labcorp
Classification: Uncertain significance. Last evaluated: 2025-07-21. Review status: criteria provided, single submitter. Criteria: Invitae Variant Classification Sherloc (09022015). Collection method: clinical testing. Allele origin: germline.
Comment: This sequence change replaces alanine, which is neutral and non-polar, with aspartic acid, which is acidic and polar, at codon 1312 of the POLE protein (p.Ala1312Asp). This variant is not present in population databases (gnomAD no frequency). This variant has not been reported in the literature in individuals affected with POLE-related conditions. ClinVar contains an entry for this variant (Variation ID: 1721263). Invitae Evidence Modeling of protein sequence and biophysical properties (such as structural, functional, and spatial information, amino acid conservation, physicochemical variation, residue mobility, and thermodynamic stability) indicates that this missense variant is not expected to disrupt POLE protein function with a negative predictive value of 80%. In summary, the available evidence is currently insufficient to determine the role of this variant in disease. Therefore, it has been classified as a Variant of Uncertain Significance.